The following is an entry in ClinVar:

ClinVar aggregate classification (germline): Uncertain significance (1 of 4 stars; one submission).

Conditions:
Hydrolethalus syndrome 1 (HLS1). Identifiers: Orphanet 2189, MedGen C1856016, MONDO:0009365, OMIM 236680.

Submission:

Myriad Genetics, Inc.
Classification: Uncertain significance for Hydrolethalus syndrome 1. Last evaluated: 2026-01-02. Review status: criteria provided, single submitter. Criteria: Myriad Autosomal Dominant, Autosomal Recessive and X-Linked Classification Criteria (2023). Collection method: clinical testing. Allele origin: unknown.
Comment: NM_145014.2(HYLS1):c.*348_*374dup27 is a 3' non-coding variant classified as a variant of uncertain significance in the context of hydrolethalus syndrome. c.*348_*374dup27 has not been observed in cases with relevant disease. Relevant functional assessments of this variant are not available in the literature. c.*348_*374dup27 has not been observed in referenced population frequency databases. In summary, there is insufficient evidence to classify NM_145014.2(HYLS1):c.*348_*374dup27 as pathogenic or benign. Please note: this variant was assessed in the context of healthy population screening.

NM_001134793.2(HYLS1):c.*348_*374dup

Genes: HYLS1 (HYLS1 centriolar and ciliogenesis associated; plus strand), PUS3 (pseudouridine synthase 3; minus strand). Cytogenetic location: 11q24.2.
Variant type: Duplication.
Coding change: c.*348_*374dup on transcript NM_001134793.2 (MANE Select); 348 bases downstream of the stop codon through 374 bases downstream of the stop codon, 27 bases duplicated (CACTTACCAATTAAAGAATTTTGGAAA).
Molecular consequence: 3 prime UTR variant. On other transcripts: intron variant (7).
Genome position (GRCh38, 1-based): chr11:125,900,616-125,900,642, CACTTACCAATTAAAGAATTTTGGAAA duplicated; duplicating any 27 consecutive bases within chr11:125,900,615-125,900,642 gives the same sequence; the c. name uses the placement nearest the transcript's 3' end. VCF-style (leftmost placement, unchanged base first): chr11-125900614-T-TACACTTACCAATTAAAGAATTTTGGAA. GRCh37 (hg19) VCF-style: chr11-125770509-T-TACACTTACCAATTAAAGAATTTTGGAA.
Other names: c.*348_*374dup (NM_001377269.1, NM_001377270.1, NM_001424364.1 and 1 more transcripts); c.-247+2529_-247+2555dup (NM_001271985.2); c.-47+2529_-47+2555dup (NM_001441241.1, NM_001441239.1, NM_031307.4); c.-247+38_-247+64dup (NM_001441238.1); c.-47+38_-47+64dup (NM_001441240.1, NM_001441237.1).
Identifiers: ClinVar variation 5003851 (VCV005003851.1).
Genomic context (GRCh38, chr11:125,900,614, plus strand): 5'-TTTTTACCTATCAATATGAGTTGCTGTGCTTCAGTGTGTGTTTTTTAAGTTGCTGGGCAT[T>TACACTTACCAATTAAAGAATTTTGGAA]ACACTTACCAATTAAAGAATTTTGGAAATTCATGAACTTGAACATTATTTCATGAAATAC-3'